The following is an entry in ClinVar:

NM_012073.5(CCT5):c.738G>A (p.Ala246=)

Gene: CCT5 (chaperonin containing TCP1 subunit 5; plus strand). Cytogenetic location: 5p15.2.
Variant type: single nucleotide variant.
Coding change: c.738G>A on transcript NM_012073.5 (MANE Select); coding-DNA position 738, G replaced by A.
Protein change: p.Ala246=; no amino-acid change (alanine 246 retained).
Molecular consequence: synonymous variant.
Genome position (GRCh38, 1-based): chr5:10,258,400, G>A. VCF-style: chr5-10258400-G-A. GRCh37 (hg19) VCF-style: chr5-10258512-G-A.
Other names: c.675G>A, p.Ala225= (NM_001306153.1); c.573G>A, p.Ala191= (NM_001306154.2); c.459G>A, p.Ala153= (NM_001306155.2); c.624G>A, p.Ala208= (NM_001306156.2).
Identifiers: ClinVar variation 240841 (VCV000240841.16), dbSNP rs11557649, ClinGen allele CA3198161.
Genomic context (GRCh38, chr5:10,258,400, plus strand): 5'-TAACTCTTAATTCCACCAATTAAAATGTCTTTATGTTCCCCCATAGAAAGTGGAAGATGC[G>A]AAGATTGCAATTCTCACATGTCCATTTGAACCACCCAAACCAAAAACAAAGCATAAGCTG-3'
Protein context (NP_036205.1, residues 236-256): HPQMPKKVED[Ala246=]KIAILTCPFE

ClinVar aggregate classification (germline): Benign. Review status: criteria provided, multiple submitters, no conflicts (2 of 4 stars). 4 submissions from 4 submitters: Benign (4). Last evaluated 2026-02-03.

Conditions:
Hereditary sensory and autonomic neuropathy with spastic paraplegia (HSNSP). Identifiers: Orphanet 139578, MedGen C1850395, MONDO:0009748, OMIM 256840.

Allele frequency attached by ClinVar (database versions not stated): 1000 Genomes Project 0.00998; 1000 Genomes Project 30x 0.01093; TOPMed 0.02286; ESP Exome Variant Server 0.02560; ExAC 0.02665; gnomAD exomes 0.02730; gnomAD 0.03346.
gnomAD v4.1: 52,234 of 1,614,096 alleles (3.2%); highest among the groups gnomAD compares: Non-Finnish European, 3.6%; 1,000 homozygotes.

Submissions (4):

Labcorp Genetics (formerly Invitae), Labcorp
Classification: Benign for Hereditary sensory and autonomic neuropathy with spastic paraplegia. Last evaluated: 2026-02-03. Review status: criteria provided, single submitter. Criteria: Invitae Variant Classification Sherloc (09022015). Collection method: clinical testing. Allele origin: germline.

Illumina Laboratory Services, Illumina
Classification: Benign for Hereditary sensory and autonomic neuropathy with spastic paraplegia. Last evaluated: 2018-01-13. Review status: criteria provided, single submitter. Criteria: ICSL Variant Classification Criteria 13 December 2019. Collection method: clinical testing. Allele origin: germline.
Comment: This variant was observed in the ICSL laboratory as part of a predisposition screen in an ostensibly healthy population. It had not been previously curated by ICSL or reported in the Human Gene Mutation Database (HGMD: prior to June 1st, 2018), and was therefore a candidate for classification through an automated scoring system. Utilizing variant allele frequency, disease prevalence and penetrance estimates, and inheritance mode, an automated score was calculated to assess if this variant is too frequent to cause the disease. Based on the score and internal cut-off values, a variant classified as benign is not then subjected to further curation. The score for this variant resulted in a classification of benign for this disease.

GeneDx
Classification: Benign. Last evaluated: 2015-03-03. Review status: criteria provided, single submitter. Criteria: GeneDx Variant Classification Process June 2021. Collection method: clinical testing. Allele origin: germline. Affected: yes.

Breakthrough Genomics
Classification: Benign. Review status: criteria provided, single submitter. Criteria: ACMG Guidelines, 2015. Collection method: not provided. Allele origin: germline. Inheritance: Autosomal recessive inheritance. Affected: yes.